The following is an entry in ClinVar:

NM_018979.4(WNK1):c.2710A>G (p.Thr904Ala)

Gene: WNK1 (WNK lysine deficient protein kinase 1; plus strand). Cytogenetic location: 12p13.33.
Variant type: single nucleotide variant.
Coding change: c.2710A>G on transcript NM_018979.4 (MANE Select); coding-DNA position 2710, A replaced by G.
Protein change: p.Thr904Ala; replaces threonine 904 with alanine.
Molecular consequence: missense variant. On other transcripts: intron variant (3).
Genome position (GRCh38, 1-based): chr12:879,909, A>G. VCF-style: chr12-879909-A-G. GRCh37 (hg19) VCF-style: chr12-989075-A-G.
Other names: c.3867+1548A>G (NM_213655.5); c.3613-812A>G (NM_001184985.2); c.2370+1548A>G (NM_014823.3); short protein forms T904A.
Identifiers: ClinVar variation 883933 (VCV000883933.5), dbSNP rs752492830, ClinGen allele CA6382548.

ClinVar aggregate classification (germline): Conflicting classifications of pathogenicity. Review status: criteria provided, conflicting classifications (1 of 4 stars). 2 submissions from 2 submitters: Uncertain significance (1); Likely benign (1). Last evaluated 2024-05-06.

Conditions:
Pseudohypoaldosteronism type 2C (PHA2C). Also called: Pseudohypoaldosteronism Type IIC. Identifiers: Orphanet 757, Orphanet 88940, MedGen C1840391, MONDO:0013778, OMIM 614492.
Neuropathy, hereditary sensory and autonomic, type 2A (HSAN2A). Also called: ACROOSTEOLYSIS, GIACCAI TYPE; ACROOSTEOLYSIS, NEUROGENIC; MORVAN DISEASE; NEUROPATHY, CONGENITAL SENSORY; NEUROPATHY, HEREDITARY SENSORY RADICULAR, AUTOSOMAL RECESSIVE; NEUROPATHY, HEREDITARY SENSORY, TYPE IIA. Identifiers: Orphanet 970, MedGen C2752089, MONDO:0024309, OMIM 201300.

Allele frequency attached by ClinVar (database versions not stated): gnomAD 0.00001; gnomAD exomes 0.00001; TOPMed 0.00001; ExAC 0.00002.
gnomAD v4.1: 11 of 1,613,862 alleles (0.00068%); highest among the groups gnomAD compares: African/African-American, 0.0027%; no homozygotes.

Submissions (2):

Fulgent Genetics
Classification: Uncertain significance for Neuropathy, hereditary sensory and autonomic, type 2A; Pseudohypoaldosteronism type 2C. Last evaluated: 2024-05-06. Review status: criteria provided, single submitter. Criteria: ACMG Guidelines, 2015. Collection method: clinical testing. Allele origin: germline.

Illumina Laboratory Services, Illumina
Classification: Likely benign for Pseudohypoaldosteronism type 2C. Last evaluated: 2018-01-13. Review status: criteria provided, single submitter. Criteria: ICSL Variant Classification Criteria 13 December 2019. Collection method: clinical testing. Allele origin: germline.
Comment: This variant was observed in the ICSL laboratory as part of a predisposition screen in an ostensibly healthy population. It had not been previously curated by ICSL or reported in the Human Gene Mutation Database (HGMD: prior to June 1st, 2018), and was therefore a candidate for classification through an automated scoring system. Utilizing variant allele frequency, disease prevalence and penetrance estimates, and inheritance mode, an automated score was calculated to assess if this variant is too frequent to cause the disease. Based on the score and internal cut-off values, a variant classified as likely benign is not then subjected to further curation. The score for this variant resulted in a classification of likely benign for this disease.